The following is an entry in ClinVar:

ClinVar aggregate classification (germline): Uncertain significance (1 of 4 stars; one submission).

Conditions:
2-aminoadipic 2-oxoadipic aciduria (AAKAD). Also called: Aminoadipic aciduria; ALPHA-AMINOADIPIC AND ALPHA-KETOADIPIC ACIDURIA. Identifiers: Orphanet 79154, MedGen C1859817, MONDO:0008774, OMIM 204750.

Submission:

Labcorp Genetics (formerly Invitae), Labcorp
Classification: Uncertain significance for 2-aminoadipic 2-oxoadipic aciduria. Last evaluated: 2023-10-14. Review status: criteria provided, single submitter. Criteria: Invitae Variant Classification Sherloc (09022015). Collection method: clinical testing. Allele origin: unknown.
Comment: This variant is a gross deletion of the genomic region encompassing exon(s) 8-17 of the DHTKD1 gene, which includes the termination codon. This deletion extends beyond the assayed region for this gene and therefore may encompass additional genes. While this deletion is not anticipated to lead to nonsense mediated decay, it is expected to alter mRNA translation or result in a truncated protein product. This variant has not been reported in the literature in individuals affected with DHTKD1-related conditions. Experimental studies and prediction algorithms are not available or were not evaluated, and the functional significance of this variant is currently unknown. In summary, the available evidence is currently insufficient to determine the role of this variant in disease. Therefore, it has been classified as a Variant of Uncertain Significance.

NC_000010.10:g.(?_12139663)_(12162887_?)del

Gene: DHTKD1 (dehydrogenase E1 and transketolase domain containing 1; plus strand). Cytogenetic location: 10p14.
Variant type: Deletion.
Identifiers: ClinVar variation 3244855 (VCV003244855.1).